The following is an entry in ClinVar:

NM_003890.3(FCGBP):c.9780C>T (p.Ser3260=)

Gene: FCGBP (Fc gamma binding protein; minus strand). Cytogenetic location: 19q13.2.
Variant type: single nucleotide variant.
Coding change: c.9780C>T on transcript NM_003890.3 (MANE Select); coding-DNA position 9780, C replaced by T.
Protein change: p.Ser3260=; no amino-acid change (serine 3260 retained).
Molecular consequence: synonymous variant.
Genome position (GRCh38, 1-based): chr19:39,893,190, G>A on the plus strand (C>T on the coding strand, the complement: FCGBP is on the minus strand). VCF-style: chr19-39893190-G-A. GRCh37 (hg19) VCF-style: chr19-40383830-G-A.
Identifiers: ClinVar variation 2649852 (VCV002649852.24), dbSNP rs1427389234, ClinGen allele CA507667955.

ClinVar aggregate classification (germline): Likely benign (1 of 4 stars; one submission).

Allele frequency attached by ClinVar (database versions not stated): gnomAD 0.00007.

Submission:

CeGaT Center for Human Genetics Tuebingen
Classification: Likely benign. Last evaluated: 2023-01-01. Review status: criteria provided, single submitter. Criteria: CeGaT Center For Human Genetics Tuebingen Variant Classification Criteria Version 2. Collection method: clinical testing. Allele origin: germline. Affected: yes. Observed: 1 variant allele.
Comment: FCGBP: BP4, BP7